The following is an entry in ClinVar:

NM_025114.4(CEP290):c.7233del (p.Glu2412fs)

Genes: CEP290 (centrosomal protein 290; minus strand), RLIG1 (RNA 5'-phosphate and 3'-OH ligase 1; plus strand). Cytogenetic location: 12q21.32.
Variant type: Deletion.
Coding change: c.7233del on transcript NM_025114.4 (MANE Select); coding-DNA position 7233, one base deleted (A; older notation c.7233delA).
Protein change: p.Glu2412fs; shifts the reading frame from glutamic acid 2412.
Molecular consequence: frameshift variant. On other transcripts: 3 prime UTR variant (1).
Genome position (GRCh38, 1-based): chr12:88,049,391, T deleted on the plus strand (A on the coding strand, the reverse complement: CEP290 is on the minus strand); the first of 6 consecutive T bases (chr12:88,049,391-88,049,396); deleting any one gives the same sequence. VCF-style (leftmost placement, unchanged base first): chr12-88049390-CT-C. GRCh37 (hg19) VCF-style: chr12-88443167-CT-C.
Other names: c.*974del (NM_001009894.3); short protein forms E2412fs.
Identifiers: ClinVar variation 1419020 (VCV001419020.8), dbSNP rs2033254449, ClinGen allele CA2573149094.

ClinVar aggregate classification (germline): Pathogenic/Likely pathogenic. Review status: criteria provided, multiple submitters, no conflicts (2 of 4 stars). 2 submissions from 2 submitters: Pathogenic (1); Likely pathogenic (1). Last evaluated 2024-03-11.

Conditions:
Joubert syndrome. Also called: CEREBELLOPARENCHYMAL DISORDER IV; JOUBERT-BOLTSHAUSER SYNDROME; Familial aplasia of the vermis. Identifiers: Orphanet 475, MedGen C5979921, MONDO:0018772.
Nephronophthisis. Also called: Juvenile Nephronophthisis. Identifiers: Orphanet 655, MedGen C0687120, MONDO:0019005, HP:0000090.
Meckel-Gruber syndrome. Also called: DYSENCEPHALIA SPLANCHNOCYSTICA; GRUBER SYNDROME; Dysencephalia splachnocystica. Identifiers: Orphanet 564, MedGen C0265215, MONDO:0018921.
Bardet-Biedl syndrome 14 (BBS14). Identifiers: Orphanet 110, MedGen C2673874, MONDO:0014442, OMIM 615991.

Submissions (2):

Baylor Genetics
Classification: Likely pathogenic for Bardet-Biedl syndrome 14. Last evaluated: 2024-03-11. Review status: criteria provided, single submitter. Criteria: ACMG Guidelines, 2015. Collection method: clinical testing. Allele origin: unknown.

Labcorp Genetics (formerly Invitae), Labcorp
Classification: Pathogenic for Joubert syndrome; Meckel-Gruber syndrome; Nephronophthisis. Last evaluated: 2023-09-12. Review status: criteria provided, single submitter. Criteria: Invitae Variant Classification Sherloc (09022015). Collection method: clinical testing. Allele origin: germline.
Comment: For these reasons, this variant has been classified as Pathogenic. This variant disrupts a region of the CEP290 protein in which other variant(s) (p.Tyr2429Serfs*8) have been determined to be pathogenic (Invitae). This suggests that this is a clinically significant region of the protein, and that variants that disrupt it are likely to be disease-causing. ClinVar contains an entry for this variant (Variation ID: 1419020). This variant has not been reported in the literature in individuals affected with CEP290-related conditions. This variant is not present in population databases (gnomAD no frequency). This sequence change creates a premature translational stop signal (p.Glu2412Asnfs*24) in the CEP290 gene. While this is not anticipated to result in nonsense mediated decay, it is expected to disrupt the last 68 amino acid(s) of the CEP290 protein.